The following is an entry in ClinVar:

ClinVar aggregate classification (germline): Uncertain significance (1 of 4 stars; one submission).

gnomAD v4.1: 4 of 1,612,234 alleles (0.00025%); highest among the groups gnomAD compares: Non-Finnish European, 0.00034%; no homozygotes.

Submission:

GeneDx
Classification: Uncertain significance. Last evaluated: 2024-07-05. Review status: criteria provided, single submitter. Criteria: GeneDx Variant Classification Process June 2021. Collection method: clinical testing. Allele origin: germline. Affected: yes.
Comment: Not observed at significant frequency in large population cohorts (gnomAD); In silico analysis indicates that this missense variant does not alter protein structure/function; Has not been previously published as pathogenic or benign to our knowledge

NM_001377.3(DYNC2H1):c.12451A>G (p.Ile4151Val)

Gene: DYNC2H1 (dynein cytoplasmic 2 heavy chain 1; plus strand). Cytogenetic location: 11q22.3.
Variant type: single nucleotide variant.
Coding change: c.12451A>G on transcript NM_001377.3 (MANE Select); coding-DNA position 12451, A replaced by G.
Protein change: p.Ile4151Val; replaces isoleucine 4151 with valine.
Molecular consequence: missense variant.
Genome position (GRCh38, 1-based): chr11:103,436,027, A>G. VCF-style: chr11-103436027-A-G. GRCh37 (hg19) VCF-style: chr11-103306755-A-G.
Other names: c.12472A>G, p.Ile4158Val (NM_001080463.2); short protein forms I4151V, I4158V.
Identifiers: ClinVar variation 3393805 (VCV003393805.1).